The following is an entry in ClinVar:

NM_012244.4(SLC7A8):c.1017-1G>T

Gene: SLC7A8 (solute carrier family 7 member 8; minus strand). Cytogenetic location: 14q11.2.
Variant type: single nucleotide variant.
Coding change: c.1017-1G>T on transcript NM_012244.4 (MANE Select); the canonical splice acceptor site of the intron before coding-DNA position 1017, G replaced by T.
Molecular consequence: splice acceptor variant.
Genome position (GRCh38, 1-based): chr14:23,131,558, C>A on the plus strand (G>T on the coding strand, the complement: SLC7A8 is on the minus strand). VCF-style: chr14-23131558-C-A. GRCh37 (hg19) VCF-style: chr14-23600767-C-A.
Other names: c.702-1G>T (NM_001267036.1); c.345-1G>T (NM_001267037.2); c.408-1G>T (NM_182728.3).
Identifiers: ClinVar variation 3253728 (VCV003253728.2).
Genomic context (GRCh38, chr14:23,131,558, plus strand): 5'-ACGTGGATCATGGCCAACACACTGGGAAGGTGGCCCTCTCGGGCTCCAGCGAAGAACAGC[C>A]TGTCAGGGAGAAAAGCAGGTCAGCCTGGGATAACCCAGGGACCACCAAGCCCCAGCTCCT-3'

ClinVar aggregate classification (germline): Likely pathogenic (1 of 4 stars; one submission).

Conditions:
Cataract. Also called: Cataract (disease); cataracts. Identifiers: MedGen C0086543, MeSH D002386, MONDO:0005129, HP:0000518.

Submission:

Dept. Genetics and Cancer, Menzies Institute for Medical Research, University of Tasmania
Classification: Likely pathogenic for Cataract. Last evaluated: 2024-09-12. Review status: criteria provided, single submitter. Criteria: ACMG Guidelines, 2015. Collection method: research. Allele origin: germline. Affected: yes. Observed: 1 variant allele.
Comment: SLC7A8 NM_012244.4:c.1017-1G>T ACMG-AMP criteria: PM2_Supp, PVS1. Absent from population databases (gnomad v4.0), Canonical splice variant with exon skipping or cryptic splice site predicted to disrupt reading frame and to undergo NMD